The following is an entry in ClinVar:

NM_001369.3(DNAH5):c.4660_4661del (p.Glu1554fs)

Genes: DNAH5-AS1 (DNAH5 antisense RNA 1; plus strand), DNAH5 (dynein axonemal heavy chain 5; minus strand). Cytogenetic location: 5p15.2.
Variant type: Deletion.
Coding change: c.4660_4661del on transcript NM_001369.3 (MANE Select); coding-DNA positions 4660 to 4661, 2 bases deleted (GA; older notation c.4660_4661delGA).
Protein change: p.Glu1554fs; shifts the reading frame from glutamic acid 1554.
Molecular consequence: frameshift variant.
Genome position (GRCh38, 1-based): chr5:13,862,683-13,862,684, TC deleted on the plus strand (GA on the coding strand, the reverse complement: DNAH5 is on the minus strand). VCF-style (leftmost placement, unchanged base first): chr5-13862682-TTC-T. GRCh37 (hg19) VCF-style: chr5-13862791-TTC-T.
Other names: short protein forms E1554fs.
Identifiers: ClinVar variation 1726336 (VCV001726336.2), dbSNP rs2546973955, ClinGen allele CA2580072083.

ClinVar aggregate classification (germline): Likely pathogenic (1 of 4 stars; one submission).

Conditions:
Primary ciliary dyskinesia 3. Identifiers: Orphanet 244, MedGen C1837618, MONDO:0012085, OMIM 608644.

Submission:

Myriad Genetics, Inc.
Classification: Likely pathogenic for Primary ciliary dyskinesia 3. Last evaluated: 2021-12-16. Review status: criteria provided, single submitter. Criteria: Myriad Women's Health Autosomal Recessive and X-Linked Classification Criteria (2021). Collection method: clinical testing. Allele origin: unknown.
Comment: NM_001369.2(DNAH5):c.4660_4661delGA(E1554Mfs*4) is expected to be pathogenic in the context of DNAH5-related primary ciliary dyskinesia. This variant is predicted to lead to an abnormal or absent protein product due to the creation of a premature termination codon in DNAH5, a gene where loss-of-function variants are known to be pathogenic. Please note: this variant was assessed in the context of healthy population screening.